The following is an entry in ClinVar:

NM_000048.4(ASL):c.1270G>A (p.Val424Met)

Gene: ASL (argininosuccinate lyase; plus strand). Cytogenetic location: 7q11.21.
Variant type: single nucleotide variant.
Coding change: c.1270G>A on transcript NM_000048.4 (MANE Select); coding-DNA position 1270, G replaced by A.
Protein change: p.Val424Met; replaces valine 424 with methionine.
Molecular consequence: missense variant.
Genome position (GRCh38, 1-based): chr7:66,092,787, G>A. VCF-style: chr7-66092787-G-A. GRCh37 (hg19) VCF-style: chr7-65557774-G-A.
Other names: c.1270G>A, p.Val424Met (NM_001024943.2); c.1210G>A, p.Val404Met (NM_001024944.2); c.1192G>A, p.Val398Met (NM_001024946.2); short protein forms V424M, V398M, V404M.
Identifiers: ClinVar variation 360569 (VCV000360569.13), dbSNP rs368264870, ClinGen allele CA4277372.

ClinVar aggregate classification (germline): Conflicting classifications of pathogenicity. Review status: criteria provided, conflicting classifications (1 of 4 stars). 4 submissions from 4 submitters: Pathogenic (1); Uncertain significance (2). 1 of the submissions does not count toward it. Last evaluated 2025-12-08.

Conditions:
Argininosuccinate lyase deficiency. Also called: ARGININOSUCCINIC ACID LYASE DEFICIENCY; ASL DEFICIENCY; Argininosuccinic aciduria. Identifiers: Orphanet 23, MedGen C0268547, MONDO:0008815, OMIM 207900, HP:0025630.

Allele frequency attached by ClinVar (database versions not stated): gnomAD 0.00007 and 0.00009; ESP Exome Variant Server 0.00008; TOPMed 0.00009; gnomAD exomes 0.00003; ExAC 0.00004.

Submissions (4):

Labcorp Genetics (formerly Invitae), Labcorp
Classification: Pathogenic for Argininosuccinate lyase deficiency. Last evaluated: 2025-12-08. Review status: criteria provided, single submitter. Criteria: Invitae Variant Classification Sherloc (09022015). Collection method: clinical testing. Allele origin: germline.
Comment: This sequence change replaces valine, which is neutral and non-polar, with methionine, which is neutral and non-polar, at codon 424 of the ASL protein (p.Val424Met). This variant is present in population databases (rs368264870, gnomAD 0.008%). This missense change has been observed in individual(s) with clinical features of argininosuccinate lyase deficiency (internal data). In at least one individual the data is consistent with being in trans (on the opposite chromosome) from a pathogenic variant. ClinVar contains an entry for this variant (Variation ID: 360569). Invitae Evidence Modeling of protein sequence and biophysical properties (such as structural, functional, and spatial information, amino acid conservation, physicochemical variation, residue mobility, and thermodynamic stability) indicates that this missense variant is expected to disrupt ASL protein function with a positive predictive value of 95%. For these reasons, this variant has been classified as Pathogenic.

GeneDx
Classification: Uncertain significance. Last evaluated: 2025-04-08. Review status: criteria provided, single submitter. Criteria: GeneDx Variant Classification Process June 2021. Collection method: clinical testing. Allele origin: germline. Affected: yes.
Comment: Has not been previously published as pathogenic or benign to our knowledge; Not observed at significant frequency in large population cohorts (gnomAD); In silico analysis supports that this missense variant has a deleterious effect on protein structure/function

Illumina Laboratory Services, Illumina
Classification: Uncertain significance for Argininosuccinate lyase deficiency. Last evaluated: 2018-01-13. Review status: criteria provided, single submitter. Criteria: ICSL Variant Classification Criteria 13 December 2019. Collection method: clinical testing. Allele origin: germline.

Natera, Inc.
Classification: Uncertain significance for Argininosuccinate lyase deficiency. Last evaluated: 2020-07-17. Review status: no assertion criteria provided. Collection method: clinical testing. Allele origin: germline. Not counted in ClinVar's aggregate classification.